The following is an entry in ClinVar:

ClinVar aggregate classification (germline): Uncertain significance (1 of 4 stars; one submission).

Conditions:
Hereditary cancer-predisposing syndrome. Also called: Tumor predisposition; Hereditary Cancer Syndrome; Hereditary neoplastic syndrome; Neoplastic Syndromes, Hereditary. Identifiers: Orphanet 140162, MedGen C0027672, MeSH D009386, MONDO:0015356.

Submission:

Ambry Genetics
Classification: Uncertain significance for Hereditary cancer-predisposing syndrome. Last evaluated: 2024-05-14. Review status: criteria provided, single submitter. Criteria: Ambry Variant Classification Scheme 2023. Collection method: clinical testing. Allele origin: germline.
Comment: The p.E133D variant (also known as c.399G>T), located in coding exon 3 of the POLD1 gene, results from a G to T substitution at nucleotide position 399. The glutamic acid at codon 133 is replaced by aspartic acid, an amino acid with highly similar properties. This amino acid position is conserved. In addition, this alteration is predicted to be tolerated by in silico analysis. Based on the available evidence, the clinical significance of this variant remains unclear.

NM_002691.4(POLD1):c.399G>T (p.Glu133Asp)

Gene: POLD1 (DNA polymerase delta 1, catalytic subunit; plus strand). Cytogenetic location: 19q13.33.
Variant type: single nucleotide variant.
Coding change: c.399G>T on transcript NM_002691.4 (MANE Select); coding-DNA position 399, G replaced by T.
Protein change: p.Glu133Asp; replaces glutamic acid 133 with aspartic acid.
Molecular consequence: missense variant. On other transcripts: non-coding transcript variant (1).
Genome position (GRCh38, 1-based): chr19:50,401,860, G>T. VCF-style: chr19-50401860-G-T. GRCh37 (hg19) VCF-style: chr19-50905117-G-T.
Other names: c.399G>T, p.Glu133Asp (NM_001256849.1, NM_001308632.1); short protein forms E133D.
Identifiers: ClinVar variation 3308295 (VCV003308295.1).